The following is an entry in ClinVar:

ClinVar aggregate classification (germline): Uncertain significance. Review status: criteria provided, multiple submitters, no conflicts (2 of 4 stars). 3 submissions from 3 submitters: Uncertain significance (3). Last evaluated 2024-05-24.

Conditions:
Inborn genetic diseases. Identifiers: MedGen C0950123, MeSH D030342.

Allele frequency attached by ClinVar (database versions not stated): gnomAD exomes 0.00002; ExAC 0.00007; ESP Exome Variant Server 0.00025; gnomAD 0.00026; TOPMed 0.00026.
gnomAD v4.1: 69 of 1,613,570 alleles (0.0043%); highest among the groups gnomAD compares: African/African-American, 0.084%; no homozygotes.

Submissions (3):

Ambry Genetics
Classification: Uncertain significance for Inborn genetic diseases. Last evaluated: 2024-05-24. Review status: criteria provided, single submitter. Criteria: Ambry Variant Classification Scheme 2023. Collection method: clinical testing. Allele origin: germline.

Blueprint Genetics
Classification: Uncertain significance. Last evaluated: 2023-12-13. Review status: criteria provided, single submitter. Criteria: ACMG Guidelines, 2015. Collection method: clinical testing. Allele origin: germline.

GeneDx
Classification: Uncertain significance. Last evaluated: 2022-05-27. Review status: criteria provided, single submitter. Criteria: GeneDx Variant Classification Process June 2021. Collection method: clinical testing. Allele origin: germline. Affected: yes.
Comment: In silico analysis supports that this missense variant does not alter protein structure/function; Has not been previously published as pathogenic or benign to our knowledge

NM_001042702.5(PJVK):c.826G>A (p.Asp276Asn)

Gene: PJVK (pejvakin; plus strand). Cytogenetic location: 2q31.2.
Variant type: single nucleotide variant.
Coding change: c.826G>A on transcript NM_001042702.5 (MANE Select); coding-DNA position 826, G replaced by A.
Protein change: p.Asp276Asn; replaces aspartic acid 276 with asparagine.
Molecular consequence: missense variant.
Genome position (GRCh38, 1-based): chr2:178,461,041, G>A. VCF-style: chr2-178461041-G-A. GRCh37 (hg19) VCF-style: chr2-179325768-G-A.
Other names: c.835G>A, p.Asp279Asn (NM_001353775.2); c.832G>A, p.Asp278Asn (NM_001353776.2); c.349G>A, p.Asp117Asn (NM_001353777.1, NM_001353778.2); c.826G>A, p.Asp276Asn (NM_001369912.1); short protein forms D117N, D276N, D278N, D279N.
Identifiers: ClinVar variation 1801101 (VCV001801101.4), dbSNP rs374040129, ClinGen allele CA1984310.
Genomic context (GRCh38, chr2:178,461,041, plus strand): 5'-GATAGAAGAGTGATGGATGTCATTTCTCGTTCACAGCTTTACTTGGATGATCTTTTTTCT[G>A]ACTACTATGACAAACCTCTCAGCATGACTGATATTTCACTCAAAGAAGGGACCCATATCC-3'
Protein context (NP_001036167.1, residues 266-286): SQLYLDDLFS[Asp276Asn]YYDKPLSMTD